The following is an entry in ClinVar:

ClinVar aggregate classification (germline): Uncertain significance (1 of 4 stars; one submission).

gnomAD v4.1: 5 of 1,613,594 alleles (0.00031%); highest among the groups gnomAD compares: African/African-American, 0.004%; no homozygotes.

Submission:

GeneDx
Classification: Uncertain significance. Last evaluated: 2024-01-10. Review status: criteria provided, single submitter. Criteria: GeneDx Variant Classification Process June 2021. Collection method: clinical testing. Allele origin: germline. Affected: yes.
Comment: Not observed at significant frequency in large population cohorts (gnomAD); In silico analysis supports that this missense variant does not alter protein structure/function; Has not been previously published as pathogenic or benign to our knowledge

NM_178335.3(CCDC50):c.765G>T (p.Glu255Asp)

Gene: CCDC50 (coiled-coil domain containing 50; plus strand). Cytogenetic location: 3q28.
Variant type: single nucleotide variant.
Coding change: c.765G>T on transcript NM_178335.3 (MANE Select); coding-DNA position 765, G replaced by T.
Protein change: p.Glu255Asp; replaces glutamic acid 255 with aspartic acid.
Molecular consequence: missense variant. On other transcripts: intron variant (1).
Genome position (GRCh38, 1-based): chr3:191,375,378, G>T. VCF-style: chr3-191375378-G-T. GRCh37 (hg19) VCF-style: chr3-191093167-G-T.
Other names: c.449-4781G>T (NM_174908.4); short protein forms E255D.
Identifiers: ClinVar variation 3367698 (VCV003367698.1).
Genomic context (GRCh38, chr3:191,375,378, plus strand): 5'-ACCTCTGCTTCCCACGATCAGTGGTGAAGTGTTTCTGAGCACTGAATGTGATGACTGGGA[G>T]ACTAAGATTAACCATCAGACTCGAAATTGGGAAAAACAGTCTCGACACCAAGATCGACTT-3'
Protein context (NP_848018.1, residues 245-265): VFLSTECDDW[Glu255Asp]TKINHQTRNW